The following is an entry in ClinVar:

NM_001005273.3(CHD3):c.1616C>G (p.Pro539Arg)

Gene: CHD3 (chromodomain helicase DNA binding protein 3; plus strand). Cytogenetic location: 17p13.1.
Variant type: single nucleotide variant.
Coding change: c.1616C>G on transcript NM_001005273.3 (MANE Select); coding-DNA position 1616, C replaced by G.
Protein change: p.Pro539Arg; replaces proline 539 with arginine.
Molecular consequence: missense variant.
Genome position (GRCh38, 1-based): chr17:7,895,451, C>G. VCF-style: chr17-7895451-C-G. GRCh37 (hg19) VCF-style: chr17-7798769-C-G.
Other names: c.1793C>G, p.Pro598Arg (NM_001005271.3); c.1616C>G, p.Pro539Arg (NM_005852.4); short protein forms P539R, P598R.
Identifiers: ClinVar variation 3047878 (VCV003047878.2), dbSNP rs201739166, ClinGen allele CA8362709.

ClinVar aggregate classification (germline): Likely benign (0 of 4 stars; one submission).

Conditions:
CHD3-related disorder. Also called: CHD3-related condition.

Allele frequency attached by ClinVar (database versions not stated): 1000 Genomes Project 30x 0.00016; 1000 Genomes Project 0.00020.
gnomAD v4.1: 150 of 1,614,160 alleles (0.0093%); highest among the groups gnomAD compares: East Asian, 0.26%; 1 homozygote.

Submission:

PreventionGenetics, part of Exact Sciences
Classification: Likely benign for CHD3-related condition. Last evaluated: 2019-04-15. Review status: no assertion criteria provided. Collection method: clinical testing. Allele origin: germline.
Comment: This variant is classified as likely benign based on ACMG/AMP sequence variant interpretation guidelines (Richards et al. 2015 PMID: 25741868, with internal and published modifications).